The following is an entry in ClinVar:

NC_012920.1(MT-ATP6):m.8599C>A

Gene: MT-ATP6 (mitochondrially encoded ATP synthase 6; plus strand).
Variant type: single nucleotide variant.
Genome position: chrM-8599-C-A.
Identifiers: ClinVar variation 692919 (VCV000692919.1), dbSNP rs1603221623, ClinGen allele CA414796864.

ClinVar aggregate classification (germline): Uncertain significance (1 of 4 stars; one submission).

Conditions:
Leigh syndrome (NULS). Also called: Leigh's necrotizing encephalopathy; Leigh's disease; Leigh Syndrome (mtDNA deletion); Leigh Disease; Subacute necrotizing encephalopathy; Necrotizing encephalopathy infantile subacute of Leigh. Identifiers: Orphanet 506, MedGen C2931891, MONDO:0009723, OMIM 256000.

Submission:

Wong Mito Lab, Molecular and Human Genetics, Baylor College of Medicine
Classification: Uncertain significance for Leigh syndrome. Last evaluated: 2019-10-17. Review status: criteria provided, single submitter. Criteria: Modified ACMG Guidelines (Unpublished). Collection method: clinical testing. Allele origin: germline.
Comment: The NC_012920.1:m.8599C>A (YP_003024031.1:p.Leu25Met) variant in MTATP6 gene is interpretated to be a Uncertain Significance variant based on the modified ACMG guidelines (unpublished). This variant meets the following evidence codes: PP4